The following is an entry in ClinVar:

ClinVar aggregate classification (germline): Uncertain significance (1 of 4 stars; one submission).

Conditions:
Muscular dystrophy-dystroglycanopathy (congenital with brain and eye anomalies), type A9. Also called: WALKER-WARBURG SYNDROME OR MUSCLE-EYE BRAIN DISEASE, DAG1-RELATED; Muscular dystrophy-dystroglycanopathy (congenital with brain and eye anomalies), type a, 9. Identifiers: Orphanet 370997, Orphanet 899, MedGen C4225291, MONDO:0014683, OMIM 616538.
Autosomal recessive limb-girdle muscular dystrophy type 2P. Also called: Limb-Girdle Muscular Dystrophy Type 9C; MUSCULAR DYSTROPHY-DYSTROGLYCANOPATHY, LIMB-GIRDLE, DAG1-RELATED; MUSCULAR DYSTROPHY, LIMB-GIRDLE, TYPE 2P. Identifiers: Orphanet 280333, MedGen C4511963, MONDO:0013440, OMIM 613818.

Submission:

Labcorp Genetics (formerly Invitae), Labcorp
Classification: Uncertain significance for Autosomal recessive limb-girdle muscular dystrophy type 2P; Muscular dystrophy-dystroglycanopathy (congenital with brain and eye anomalies), type A9. Last evaluated: 2022-08-05. Review status: criteria provided, single submitter. Criteria: Invitae Variant Classification Sherloc (09022015). Collection method: clinical testing. Allele origin: germline.
Comment: In summary, the available evidence is currently insufficient to determine the role of this variant in disease. Therefore, it has been classified as a Variant of Uncertain Significance. Algorithms developed to predict the effect of missense changes on protein structure and function are either unavailable or do not agree on the potential impact of this missense change (SIFT: "Deleterious"; PolyPhen-2: "Possibly Damaging"; Align-GVGD: "Class C0"). This variant has not been reported in the literature in individuals affected with DAG1-related conditions. This variant is not present in population databases (gnomAD no frequency). This sequence change replaces leucine, which is neutral and non-polar, with phenylalanine, which is neutral and non-polar, at codon 564 of the DAG1 protein (p.Leu564Phe).

NM_004393.6(DAG1):c.1690C>T (p.Leu564Phe)

Gene: DAG1 (dystroglycan 1; plus strand). Cytogenetic location: 3p21.31.
Variant type: single nucleotide variant.
Coding change: c.1690C>T on transcript NM_004393.6 (MANE Select); coding-DNA position 1690, C replaced by T.
Protein change: p.Leu564Phe; replaces leucine 564 with phenylalanine.
Molecular consequence: missense variant.
Genome position (GRCh38, 1-based): chr3:49,532,201, C>T. VCF-style: chr3-49532201-C-T. GRCh37 (hg19) VCF-style: chr3-49569634-C-T.
Other names: c.1690C>T, p.Leu564Phe (NM_001165928.4, NM_001177634.3, NM_001177635.3 and 9 more transcripts); short protein forms L564F.
Identifiers: ClinVar variation 2146563 (VCV002146563.4), dbSNP rs199894361, ClinGen allele CA352795936.
Genomic context (GRCh38, chr3:49,532,201, plus strand): 5'-CAGCTGGTGGGCGAGAAGTCCTGGGTACAGTTCAACAGCAACAGCCAGCTCATGTATGGC[C>T]TTCCCGACAGCAGCCACGTGGGCAAACACGAGTATTTCATGCATGCCACAGACAAGGGGG-3'
Protein context (NP_004384.5, residues 554-574): FNSNSQLMYG[Leu564Phe]PDSSHVGKHE